The following is an entry in ClinVar:

ClinVar aggregate classification (germline): Uncertain significance (1 of 4 stars; one submission).

Conditions:
Inborn genetic diseases. Identifiers: MedGen C0950123, MeSH D030342.

Submission:

Ambry Genetics
Classification: Uncertain significance for Inborn genetic diseases. Last evaluated: 2020-11-17. Review status: criteria provided, single submitter. Criteria: Ambry Variant Classification Scheme 2023. Collection method: clinical testing. Allele origin: germline.
Comment: The p.A423V variant (also known as c.1268C>T), located in coding exon 12 of the FUS gene, results from a C to T substitution at nucleotide position 1268. The alanine at codon 423 is replaced by valine, an amino acid with similar properties. This amino acid position is highly conserved in available vertebrate species. In addition, the in silico prediction for this alteration is inconclusive. Since supporting evidence is limited at this time, the clinical significance of this alteration remains unclear.

NM_004960.4(FUS):c.1268C>T (p.Ala423Val)

Gene: FUS (FUS RNA binding protein; plus strand). Cytogenetic location: 16p11.2.
Variant type: single nucleotide variant.
Coding change: c.1268C>T on transcript NM_004960.4 (MANE Select); coding-DNA position 1268, C replaced by T.
Protein change: p.Ala423Val; replaces alanine 423 with valine.
Molecular consequence: missense variant. On other transcripts: non-coding transcript variant (1).
Genome position (GRCh38, 1-based): chr16:31,190,374, C>T. VCF-style: chr16-31190374-C-T. GRCh37 (hg19) VCF-style: chr16-31201695-C-T.
Other names: c.1265C>T, p.Ala422Val (NM_001170634.1); c.1256C>T, p.Ala419Val (NM_001170937.1); short protein forms A423V, A419V, A422V.
Identifiers: ClinVar variation 1764597 (VCV001764597.2), dbSNP rs2144136586, ClinGen allele CA395675022.